The following is an entry in ClinVar:

ClinVar aggregate classification (germline): Pathogenic/Likely pathogenic. Review status: criteria provided, multiple submitters, no conflicts (2 of 4 stars). 2 submissions from 2 submitters: Pathogenic (1); Likely pathogenic (1). Last evaluated 2021-11-15.

Allele frequency attached by ClinVar (database versions not stated): TOPMed below 0.00001; ExAC 0.00001; gnomAD 0.00001; ESP Exome Variant Server 0.00008.
gnomAD v4.1: 4 of 1,613,586 alleles (0.00025%); highest among the groups gnomAD compares: East Asian, 0.0022%; no homozygotes.

Submissions (2):

Revvity Omics, Revvity
Classification: Likely pathogenic. Last evaluated: 2021-11-15. Review status: criteria provided, single submitter. Criteria: ACMG Guidelines, 2015. Collection method: clinical testing. Allele origin: germline.

GeneDx
Classification: Pathogenic. Last evaluated: 2021-10-05. Review status: criteria provided, single submitter. Criteria: GeneDx Variant Classification Process June 2021. Collection method: clinical testing. Allele origin: germline. Affected: yes.
Comment: Canonical splice site variant predicted to result in a null allele in a gene for which loss-of-function is a known mechanism of disease; Not observed at a significant frequency in large population cohorts (Lek et al., 2016); Has not been previously published as pathogenic or benign to our knowledge

NM_001145809.2(MYH14):c.590+1G>A

Gene: MYH14 (myosin heavy chain 14; plus strand). Cytogenetic location: 19q13.33.
Variant type: single nucleotide variant.
Coding change: c.590+1G>A on transcript NM_001145809.2 (MANE Select); the canonical splice donor site of the intron after coding-DNA position 590, G replaced by A.
Molecular consequence: splice donor variant.
Genome position (GRCh38, 1-based): chr19:50,223,111, G>A. VCF-style: chr19-50223111-G-A. GRCh37 (hg19) VCF-style: chr19-50726368-G-A.
Other names: c.590+1G>A (NM_001077186.2, NM_024729.4).
Identifiers: ClinVar variation 489369 (VCV000489369.6), dbSNP rs371338704, ClinGen allele CA9592309.